The following is an entry in ClinVar:

ClinVar aggregate classification (germline): Uncertain significance. Review status: criteria provided, multiple submitters, no conflicts (2 of 4 stars). 4 submissions from 4 submitters: Uncertain significance (4). Last evaluated 2025-04-23.

Conditions:
Inherited ovarian cancer (without breast cancer).
Hereditary cancer-predisposing syndrome. Also called: Neoplastic Syndromes, Hereditary; Tumor predisposition; Hereditary neoplastic syndrome; Hereditary Cancer Syndrome. Identifiers: Orphanet 140162, MedGen C0027672, MeSH D009386, MONDO:0015356.
Hereditary nonpolyposis colorectal neoplasms. Identifiers: MedGen C0009405, MeSH D003123.

Allele frequency attached by ClinVar (database versions not stated): gnomAD exomes below 0.00001.
gnomAD v4.1: 2 of 1,614,180 alleles (0.00012%); highest among the groups gnomAD compares: Non-Finnish European, 0.00017%; no homozygotes.

Submissions (4):

Labcorp Genetics (formerly Invitae), Labcorp
Classification: Uncertain significance for Hereditary nonpolyposis colorectal neoplasms. Last evaluated: 2025-04-23. Review status: criteria provided, single submitter. Criteria: Invitae Variant Classification Sherloc (09022015). Collection method: clinical testing. Allele origin: germline.
Comment: This sequence change replaces phenylalanine, which is neutral and non-polar, with serine, which is neutral and polar, at codon 569 of the MSH6 protein (p.Phe569Ser). This variant is not present in population databases (gnomAD no frequency). This variant has not been reported in the literature in individuals affected with MSH6-related conditions. ClinVar contains an entry for this variant (Variation ID: 628706). Invitae Evidence Modeling of protein sequence and biophysical properties (such as structural, functional, and spatial information, amino acid conservation, physicochemical variation, residue mobility, and thermodynamic stability) indicates that this missense variant is not expected to disrupt MSH6 protein function with a negative predictive value of 95%. In summary, the available evidence is currently insufficient to determine the role of this variant in disease. Therefore, it has been classified as a Variant of Uncertain Significance.

Ambry Genetics
Classification: Uncertain significance for Hereditary cancer-predisposing syndrome. Last evaluated: 2025-04-21. Review status: criteria provided, single submitter. Criteria: Ambry Variant Classification Scheme 2023. Collection method: clinical testing. Allele origin: germline.
Comment: The p.F569S variant (also known as c.1706T>C), located in coding exon 4 of the MSH6 gene, results from a T to C substitution at nucleotide position 1706. The phenylalanine at codon 569 is replaced by serine, an amino acid with highly dissimilar properties. This amino acid position is not well conserved in available vertebrate species. In addition, the in silico prediction for this alteration is inconclusive. Based on the available evidence, the clinical significance of this variant remains unclear.

Genomics and Molecular Medicine Service, East Genomic Laboratory Hub, NHS Genomic Medicine Service
Classification: Uncertain significance for Inherited ovarian cancer (without breast cancer). Last evaluated: 2025-03-14. Review status: criteria provided, single submitter. Criteria: ACGS Best Practice Guidelines for Variant Classification in Rare Disease 2020. Collection method: clinical testing. Allele origin: germline. Affected: yes.
Comment: PM2_Supporting,BP4

Color Diagnostics, LLC DBA Color Health
Classification: Uncertain significance for Hereditary cancer-predisposing syndrome. Last evaluated: 2018-12-23. Review status: criteria provided, single submitter. Criteria: ACMG Guidelines, 2015. Collection method: clinical testing. Allele origin: germline.

NM_000179.3(MSH6):c.1706T>C (p.Phe569Ser)

Gene: MSH6 (mutS homolog 6; plus strand). Cytogenetic location: 2p16.3.
Variant type: single nucleotide variant.
Coding change: c.1706T>C on transcript NM_000179.3 (MANE Select); coding-DNA position 1706, T replaced by C.
Protein change: p.Phe569Ser; replaces phenylalanine 569 with serine.
Molecular consequence: missense variant.
Genome position (GRCh38, 1-based): chr2:47,799,689, T>C. VCF-style: chr2-47799689-T-C. GRCh37 (hg19) VCF-style: chr2-48026828-T-C.
Other names: c.1316T>C, p.Phe439Ser (NM_001281492.2); c.800T>C, p.Phe267Ser (NM_001281493.2, NM_001281494.2); short protein forms F569S, F439S, F267S.
Identifiers: ClinVar variation 628706 (VCV000628706.15), dbSNP rs1558662672, ClinGen allele CA346748546.
Genomic context (GRCh38, chr2:47,799,689, plus strand): 5'-CTTCTGGCCATACTCGTGCATATGGTGTGTGCTTTGTTGATACTTCACTGGGAAAGTTTT[T>C]CATAGGTCAGTTTTCAGATGATCGCCATTGTTCGAGATTTAGGACTCTAGTGGCACACTA-3'
Protein context (NP_000170.1, residues 559-579): CFVDTSLGKF[Phe569Ser]IGQFSDDRHC